The following is an entry in ClinVar:

NM_018192.4(P3H2):c.391C>T (p.Pro131Ser)

Gene: P3H2 (prolyl 3-hydroxylase 2; minus strand). Cytogenetic location: 3q28.
Variant type: single nucleotide variant.
Coding change: c.391C>T on transcript NM_018192.4 (MANE Select); coding-DNA position 391, C replaced by T.
Protein change: p.Pro131Ser; replaces proline 131 with serine.
Molecular consequence: missense variant. On other transcripts: intron variant (1).
Genome position (GRCh38, 1-based): chr3:190,120,341, G>A on the plus strand (C>T on the coding strand, the complement: P3H2 is on the minus strand). VCF-style: chr3-190120341-G-A. GRCh37 (hg19) VCF-style: chr3-189838130-G-A.
Other names: c.-64+1862C>T (NM_001134418.2); short protein forms P131S.
Identifiers: ClinVar variation 2058493 (VCV002058493.3), dbSNP rs777087919, ClinGen allele CA355859578.
Genomic context (GRCh38, chr3:190,120,341, plus strand): 5'-AGGGCACTCTGCGCTGGAAGTCGCTGCGCACATCCTCGCTGACGCGGTGGCGGGATGCGG[G>A]GCCCCCGAGGCGCTGGGTCTCACAGCTGCGATAACAGCGCGCCCGCCCCAACAAGGAGCG-3'
Protein context (NP_060662.2, residues 121-141): RSCETQRLGG[Pro131Ser]ASRHRVSEDV

ClinVar aggregate classification (germline): Uncertain significance (1 of 4 stars; one submission).

Allele frequency attached by ClinVar (database versions not stated): TOPMed below 0.00001; gnomAD 0.00001.
gnomAD v4.1: 4 of 1,587,406 alleles (0.00025%); highest among the groups gnomAD compares: Non-Finnish European, 0.00026%; no homozygotes.

Submission:

Labcorp Genetics (formerly Invitae), Labcorp
Classification: Uncertain significance. Last evaluated: 2024-07-29. Review status: criteria provided, single submitter. Criteria: Invitae Variant Classification Sherloc (09022015). Collection method: clinical testing. Allele origin: germline.
Comment: This sequence change replaces proline, which is neutral and non-polar, with serine, which is neutral and polar, at codon 131 of the P3H2 protein (p.Pro131Ser). This variant is not present in population databases (gnomAD no frequency). This variant has not been reported in the literature in individuals affected with P3H2-related conditions. ClinVar contains an entry for this variant (Variation ID: 2058493). Advanced modeling of protein sequence and biophysical properties (such as structural, functional, and spatial information, amino acid conservation, physicochemical variation, residue mobility, and thermodynamic stability) performed at Invitae indicates that this missense variant is not expected to disrupt P3H2 protein function with a negative predictive value of 80%. In summary, the available evidence is currently insufficient to determine the role of this variant in disease. Therefore, it has been classified as a Variant of Uncertain Significance.